The following is an entry in ClinVar:

NM_000138.5(FBN1):c.1900T>C (p.Ser634Pro)

Gene: FBN1 (fibrillin 1; minus strand). Cytogenetic location: 15q21.1.
Variant type: single nucleotide variant.
Coding change: c.1900T>C on transcript NM_000138.5 (MANE Select); coding-DNA position 1900, T replaced by C.
Protein change: p.Ser634Pro; replaces serine 634 with proline.
Molecular consequence: missense variant.
Genome position (GRCh38, 1-based): chr15:48,505,085, A>G on the plus strand (T>C on the coding strand, the complement: FBN1 is on the minus strand). VCF-style: chr15-48505085-A-G. GRCh37 (hg19) VCF-style: chr15-48797282-A-G.
Other names: short protein forms S634P.
Identifiers: ClinVar variation 568701 (VCV000568701.11), dbSNP rs1566914005, ClinGen allele CA392339079.
Genomic context (GRCh38, chr15:48,505,085, plus strand): 5'-CAACACACACACGGCCATCCAGACCCACAGCCAGTCCAGGGAAGCATTCACATCTGTAGG[A>G]GCCATCAGTGTTGACGCAACGCCCATTCATGCAGATCCCAGGGGTTTCACACTCGTTAAT-3'
Protein context (NP_000129.3, residues 624-644): MNGRCVNTDG[Ser634Pro]YRCECFPGLA

ClinVar aggregate classification (germline): Conflicting classifications of pathogenicity. Review status: criteria provided, conflicting classifications (1 of 4 stars). 2 submissions from 2 submitters: Likely pathogenic (1); Uncertain significance (1). Last evaluated 2023-03-10.

Conditions:
Pes planus. Also called: Flat feet; flatfoot. Identifiers: MedGen C0016202, MONDO:0005293, HP:0001763.
Aortic aneurysm. Also called: Aortic aneurysm (disease). Identifiers: MedGen C0003486, MONDO:0005160, HP:0004942.
Lens luxation. Identifiers: MedGen C0023309, HP:0012019.
Mitral valve prolapse. Identifiers: MedGen C0026267, MONDO:0004910, HP:0001634.
Arachnodactyly. Identifiers: MedGen C0003706, HP:0001166.
Familial thoracic aortic aneurysm and aortic dissection (TAAD). Also called: Thoracic aortic aneurysms and dissections. Identifiers: Orphanet 91387, MedGen C4707243, MONDO:0019625.
Marfan syndrome (MFS). Also called: FBN1-Related Marfan Syndrome; Marfan syndrome type 1; Marfan's syndrome; Marfan syndrome, classic; MARFAN SYNDROME, TYPE I. Identifiers: Orphanet 284963, Orphanet 558, MedGen C0024796, MONDO:0007947, OMIM 154700.

Submissions (2):

Labcorp Genetics (formerly Invitae), Labcorp
Classification: Likely pathogenic for Marfan syndrome; Familial thoracic aortic aneurysm and aortic dissection. Last evaluated: 2023-03-10. Review status: criteria provided, single submitter. Criteria: Invitae Variant Classification Sherloc (09022015). Collection method: clinical testing. Allele origin: germline.
Comment: In summary, the currently available evidence indicates that the variant is pathogenic, but additional data are needed to prove that conclusively. Therefore, this variant has been classified as Likely Pathogenic. Advanced modeling of protein sequence and biophysical properties (such as structural, functional, and spatial information, amino acid conservation, physicochemical variation, residue mobility, and thermodynamic stability) performed at Invitae indicates that this missense variant is expected to disrupt FBN1 protein function. ClinVar contains an entry for this variant (Variation ID: 568701). This missense change has been observed in individuals with ectopia lentis and Marfan syndrome (PMID: 20564469, 24161884; Invitae). This variant is not present in population databases (gnomAD no frequency). This sequence change replaces serine, which is neutral and polar, with proline, which is neutral and non-polar, at codon 634 of the FBN1 protein (p.Ser634Pro).

Centre of Medical Genetics, University Hospital Muenster
Classification: Uncertain significance for Lens luxation; Mitral valve prolapse; Arachnodactyly; Pes planus; Aortic aneurysm. Last evaluated: 2021-12-13. Review status: criteria provided, single submitter. Criteria: ACMG Guidelines, 2015. Collection method: clinical testing. Allele origin: germline. Affected: yes. Observed: 1 variant allele, 1 heterozygote.
Comment: ACMG categories: PM2,PP3,BP1

Literature cited by the submitters: PubMed 20564469 (cited by Labcorp Genetics (formerly Invitae), Labcorp); PubMed 24161884 (cited by Labcorp Genetics (formerly Invitae), Labcorp).